The following is an entry in ClinVar:

ClinVar aggregate classification (germline): Uncertain significance (1 of 4 stars; one submission).

Allele frequency attached by ClinVar (database versions not stated): gnomAD 0.00001.
gnomAD v4.1: 5 of 1,599,602 alleles (0.00031%); highest among the groups gnomAD compares: Admixed American, 0.0017%; no homozygotes.

Submission:

Labcorp Genetics (formerly Invitae), Labcorp
Classification: Uncertain significance. Last evaluated: 2023-06-15. Review status: criteria provided, single submitter. Criteria: Invitae Variant Classification Sherloc (09022015). Collection method: clinical testing. Allele origin: germline.
Comment: An algorithm developed to predict the effect of missense changes on protein structure and function (PolyPhen-2) suggests that this variant¬†is likely to be tolerated. This variant has not been reported in the literature in individuals affected with GPR179-related conditions. This variant is present in population databases (no rsID available, gnomAD 0.007%). This sequence change replaces alanine, which is neutral and non-polar, with serine, which is neutral and polar, at codon 897 of the GPR179 protein (p.Ala897Ser). In summary, the available evidence is currently insufficient to determine the role of this variant in disease. Therefore, it has been classified as a Variant of Uncertain Significance.

NM_001004334.4(GPR179):c.2689G>T (p.Ala897Ser)

Gene: GPR179 (G protein-coupled receptor 179; minus strand). Cytogenetic location: 17q12.
Variant type: single nucleotide variant.
Coding change: c.2689G>T on transcript NM_001004334.4 (MANE Select); coding-DNA position 2689, G replaced by T.
Protein change: p.Ala897Ser; replaces alanine 897 with serine.
Molecular consequence: missense variant.
Genome position (GRCh38, 1-based): chr17:38,330,880, C>A on the plus strand (G>T on the coding strand, the complement: GPR179 is on the minus strand). VCF-style: chr17-38330880-C-A. GRCh37 (hg19) VCF-style: chr17-36486763-C-A.
Other names: short protein forms A897S.
Identifiers: ClinVar variation 2989913 (VCV002989913.1), dbSNP rs1397228171, ClinGen allele CA398882692.